The following is an entry in ClinVar:

ClinVar aggregate classification (germline): Uncertain significance (1 of 4 stars; one submission).

Conditions:
Autosomal dominant limb-girdle muscular dystrophy type 1F (LGMDD2). Also called: Limb-girdle muscular dystrophy, type 1F; MUSCULAR DYSTROPHY, LIMB-GIRDLE, AUTOSOMAL DOMINANT 2. Identifiers: Orphanet 55595, MedGen C1842062, MONDO:0012034, OMIM 608423.

gnomAD v4.1: 2 of 1,614,048 alleles (0.00012%); highest among the groups gnomAD compares: Non-Finnish European, 0.00017%; no homozygotes.

Submission:

Labcorp Genetics (formerly Invitae), Labcorp
Classification: Uncertain significance for Autosomal dominant limb-girdle muscular dystrophy type 1F. Last evaluated: 2026-01-27. Review status: criteria provided, single submitter. Criteria: Invitae Variant Classification Sherloc (09022015). Collection method: clinical testing. Allele origin: germline.
Comment: This sequence change replaces proline, which is neutral and non-polar, with leucine, which is neutral and non-polar, at codon 633 of the TNPO3 protein (p.Pro633Leu). This variant is not present in population databases (gnomAD no frequency). This variant has not been reported in the literature in individuals affected with TNPO3-related conditions. ClinVar contains an entry for this variant (Variation ID: 3628514). Invitae Evidence Modeling of protein sequence and biophysical properties (such as structural, functional, and spatial information, amino acid conservation, physicochemical variation, residue mobility, and thermodynamic stability) indicates that this missense variant is not expected to disrupt TNPO3 protein function with a negative predictive value of 80%. In summary, the available evidence is currently insufficient to determine the role of this variant in disease. Therefore, it has been classified as a Variant of Uncertain Significance.

NM_012470.4(TNPO3):c.1898C>T (p.Pro633Leu)

Gene: TNPO3 (transportin 3; minus strand). Cytogenetic location: 7q32.1.
Variant type: single nucleotide variant.
Coding change: c.1898C>T on transcript NM_012470.4 (MANE Select); coding-DNA position 1898, C replaced by T.
Protein change: p.Pro633Leu; replaces proline 633 with leucine.
Molecular consequence: missense variant. On other transcripts: non-coding transcript variant (14).
Genome position (GRCh38, 1-based): chr7:128,979,993, G>A on the plus strand (C>T on the coding strand, the complement: TNPO3 is on the minus strand). VCF-style: chr7-128979993-G-A. GRCh37 (hg19) VCF-style: chr7-128620047-G-A.
Other names: c.1706C>T, p.Pro569Leu (NM_001191028.3, NM_001382223.1); c.2000C>T, p.Pro667Leu (NM_001382216.1); c.1979C>T, p.Pro660Leu (NM_001382217.1); c.1898C>T, p.Pro633Leu (NM_001382218.1, NM_001382220.1); c.1790C>T, p.Pro597Leu (NM_001382219.1); c.1754C>T, p.Pro585Leu (NM_001382221.1); c.1751C>T, p.Pro584Leu (NM_001382222.1); short protein forms P569L, P584L, P585L, P597L, P633L, P660L, P667L.
Identifiers: ClinVar variation 3628514 (VCV003628514.2).